The following is an entry in ClinVar:

NM_016507.4(CDK12):c.1921G>T (p.Asp641Tyr)

Gene: CDK12 (cyclin dependent kinase 12; plus strand). Cytogenetic location: 17q12.
Variant type: single nucleotide variant.
Coding change: c.1921G>T on transcript NM_016507.4 (MANE Select); coding-DNA position 1921, G replaced by T.
Protein change: p.Asp641Tyr; replaces aspartic acid 641 with tyrosine.
Molecular consequence: missense variant.
Genome position (GRCh38, 1-based): chr17:39,471,753, G>T. VCF-style: chr17-39471753-G-T. GRCh37 (hg19) VCF-style: chr17-37628006-G-T.
Other names: c.1921G>T, p.Asp641Tyr (NM_015083.4); short protein forms D641Y.
Identifiers: ClinVar variation 4651436 (VCV004651436.1).

ClinVar aggregate classification (germline): Uncertain significance (1 of 4 stars; one submission).

gnomAD v4.1: 2 of 1,611,218 alleles (0.00012%); highest among the groups gnomAD compares: Admixed American, 0.0033%; no homozygotes.

Submission:

Ambry Genetics
Classification: Uncertain significance. Last evaluated: 2025-11-08. Review status: criteria provided, single submitter. Criteria: Ambry Variant Classification Scheme 2023. Collection method: clinical testing. Allele origin: germline.
Comment: The p.D641Y variant (also known as c.1921G>T), located in coding exon 2 of the CDK12 gene, results from a G to T substitution at nucleotide position 1921. The aspartic acid at codon 641 is replaced by tyrosine, an amino acid with highly dissimilar properties. This amino acid position is conserved. In addition, the in silico prediction for this alteration is inconclusive. Based on the available evidence, the clinical significance of this variant remains unclear.